The following is an entry in ClinVar:

ClinVar aggregate classification (germline): Uncertain significance (1 of 4 stars; one submission).

Submission:

GeneDx
Classification: Uncertain significance. Last evaluated: 2024-02-29. Review status: criteria provided, single submitter. Criteria: GeneDx Variant Classification Process June 2021. Collection method: clinical testing. Allele origin: germline. Affected: yes.
Comment: Not observed at significant frequency in large population cohorts (gnomAD); In silico analysis supports that this missense variant has a deleterious effect on protein structure/function; In silico analysis is inconclusive as to whether the variant alters gene splicing. In the absence of RNA/functional studies, the actual effect of this sequence change is unknown.; Has not been previously published as pathogenic or benign to our knowledge

NM_013450.4(BAZ2B):c.340G>C (p.Glu114Gln)

Gene: BAZ2B (bromodomain adjacent to zinc finger domain 2B; minus strand). Cytogenetic location: 2q24.2.
Variant type: single nucleotide variant.
Coding change: c.340G>C on transcript NM_013450.4 (MANE Select); coding-DNA position 340, G replaced by C.
Protein change: p.Glu114Gln; replaces glutamic acid 114 with glutamine.
Molecular consequence: missense variant. On other transcripts: splice acceptor variant (1).
Genome position (GRCh38, 1-based): chr2:159,448,404, C>G on the plus strand (G>C on the coding strand, the complement: BAZ2B is on the minus strand). VCF-style: chr2-159448404-C-G. GRCh37 (hg19) VCF-style: chr2-160304915-C-G.
Other names: c.151G>C, p.Glu51Gln (NM_001329857.2); c.340G>C, p.Glu114Gln (NM_001329858.2); c.335-1G>C (NM_001289975.1); short protein forms E114Q, E51Q.
Identifiers: ClinVar variation 3342338 (VCV003342338.1).